The following is an entry in ClinVar:

ClinVar aggregate classification (germline): Pathogenic/Likely pathogenic. Review status: criteria provided, multiple submitters, no conflicts (2 of 4 stars). 6 submissions from 6 submitters: Pathogenic (1); Likely pathogenic (4). 1 of the submissions does not count toward it. Last evaluated 2025-08-29.

Conditions:
Hypophosphatasia. Also called: Phosphoethanol-aminuria. Identifiers: Orphanet 436, MedGen C0020630, MeSH D007014, MONDO:0018570.
Adult hypophosphatasia. Identifiers: Orphanet 247676, Orphanet 436, MedGen C0268413, MONDO:1010154, OMIM 146300, MONDO:0007798.
Childhood hypophosphatasia. Identifiers: Orphanet 247667, Orphanet 436, MedGen C0220743, MONDO:1010168, OMIM 241510, MONDO:0009428.
Infantile hypophosphatasia. Identifiers: Orphanet 247651, Orphanet 436, MedGen C0268412, MONDO:1010169, OMIM 241500, MONDO:0009427.

Allele frequency attached by ClinVar (database versions not stated): ExAC 0.00001; gnomAD exomes 0.00001; gnomAD 0.00002 and 0.00003; TOPMed 0.00002.
gnomAD v4.1: 4 of 1,614,034 alleles (0.00025%); highest among the groups gnomAD compares: East Asian, 0.0089%; no homozygotes.

Submissions (6):

Genomenon, Inc
Classification: Likely pathogenic for Hypophosphatasia. Last evaluated: 2025-08-29. Review status: criteria provided, single submitter. Criteria: Genomenon Sequence Variant Interpretation Standards. Collection method: curation. Allele origin: germline. Affected: yes.
Comment: ALPL c.655A>G is a missense variant that changes the amino acid at residue 219 from Methionine to Valine. This variant has been observed in at least one proband affected with hypophosphatasia (PMID:24022022). It has been observed in trans with a pathogenic variant (PMID:24022022). Functional studies have been reported;however, the significance of the findings remain unclear (PMID:24022022;32160374). It is absent or not present at a significant frequency in gnomAD. In silico models agree that this variant is possibly or probably damaging. In conclusion, we classify ALPL p.Met219Val (c.655A>G) as a likely pathogenic variant.

GeneDx
Classification: Likely pathogenic. Last evaluated: 2025-04-15. Review status: criteria provided, single submitter. Criteria: GeneDx Variant Classification Process June 2021. Collection method: clinical testing. Allele origin: germline. Affected: yes.
Comment: Published functional studies suggest a damaging effect as this variant reduces protein expression and decreased ALPL enzymatic activity compared to wildtype (PMID: 24022022); In silico analysis indicates that this missense variant does not alter protein structure/function; This variant is associated with the following publications: (PMID: 32160374, 33827627, 24022022)

Labcorp Genetics (formerly Invitae), Labcorp
Classification: Pathogenic. Last evaluated: 2024-02-16. Review status: criteria provided, single submitter. Criteria: Invitae Variant Classification Sherloc (09022015). Collection method: clinical testing. Allele origin: germline.
Comment: This sequence change replaces methionine, which is neutral and non-polar, with valine, which is neutral and non-polar, at codon 219 of the ALPL protein (p.Met219Val). This variant is present in population databases (rs772432010, gnomAD 0.02%). This missense change has been observed in individual(s) with clinical features of hypophosphatasia (PMID: 24022022; Invitae). In at least one individual the data is consistent with being in trans (on the opposite chromosome) from a pathogenic variant. ClinVar contains an entry for this variant (Variation ID: 1047062). Advanced modeling of protein sequence and biophysical properties (such as structural, functional, and spatial information, amino acid conservation, physicochemical variation, residue mobility, and thermodynamic stability) performed at Invitae indicates that this missense variant is expected to disrupt ALPL protein function with a positive predictive value of 95%. Experimental studies are conflicting or provide insufficient evidence to determine the effect of this variant on ALPL function (PMID: 24022022). For these reasons, this variant has been classified as Pathogenic.

Baylor Genetics
Classification: Likely pathogenic for Adult hypophosphatasia. Last evaluated: 2023-11-18. Review status: criteria provided, single submitter. Criteria: ACMG Guidelines, 2015. Collection method: clinical testing. Allele origin: unknown.

Juno Genomics, Hangzhou Juno Genomics, Inc
Classification: Likely pathogenic for Adult hypophosphatasia; Childhood hypophosphatasia; Infantile hypophosphatasia. Review status: criteria provided, single submitter. Criteria: ACMG Guidelines, 2015. Collection method: clinical testing. Allele origin: germline.
Comment: Absent from controls (or at extremely low frequency if recessive) in Genome Aggregation Database.;Multiple lines of computational evidence support a deleterious effect on the gene or gene product.;For recessive disorders, detected in trans with a pathogenic variant.;Patient's phenotype or family history is highly specific for a disease with a single genetic etiology.

Natera, Inc.
Classification: Uncertain significance for Hypophosphatasia. Last evaluated: 2021-10-14. Review status: no assertion criteria provided. Collection method: clinical testing. Allele origin: germline. Not counted in ClinVar's aggregate classification.

Literature cited by the submitters: PubMed 24022022 (cited by Genomenon, Inc and Labcorp Genetics (formerly Invitae), Labcorp); PubMed 32160374 (cited by Genomenon, Inc).

NM_000478.6(ALPL):c.655A>G (p.Met219Val)

Gene: ALPL (alkaline phosphatase, biomineralization associated; plus strand). Cytogenetic location: 1p36.12.
Variant type: single nucleotide variant.
Coding change: c.655A>G on transcript NM_000478.6 (MANE Select); coding-DNA position 655, A replaced by G.
Protein change: p.Met219Val; replaces methionine 219 with valine.
Molecular consequence: missense variant.
Genome position (GRCh38, 1-based): chr1:21,568,110, A>G. VCF-style: chr1-21568110-A-G. GRCh37 (hg19) VCF-style: chr1-21894603-A-G.
Other names: c.490A>G, p.Met164Val (NM_001127501.4); c.424A>G, p.Met142Val (NM_001177520.3); c.655A>G, p.Met219Val (NM_001369803.2, NM_001369804.2, NM_001369805.2); c.655A>G (NM_000478.5, NM_000478.4); short protein forms M219V, M142V, M164V.
Identifiers: ClinVar variation 1047062 (VCV001047062.16), dbSNP rs772432010, ClinGen allele CA666570.